The following is an entry in ClinVar:

ClinVar aggregate classification (germline): Uncertain significance. Review status: criteria provided, multiple submitters, no conflicts (2 of 4 stars). 2 submissions from 2 submitters: Uncertain significance (2). Last evaluated 2021-12-13.

Conditions:
Inborn genetic diseases. Identifiers: MedGen C0950123, MeSH D030342.

gnomAD v4.1: 19 of 1,614,104 alleles (0.0012%); highest among the groups gnomAD compares: East Asian, 0.0089%; no homozygotes.

Submissions (2):

Ambry Genetics
Classification: Uncertain significance for Inborn genetic diseases. Last evaluated: 2021-12-13. Review status: criteria provided, single submitter. Criteria: Ambry Variant Classification Scheme 2023. Collection method: clinical testing. Allele origin: germline.

Labcorp Genetics (formerly Invitae), Labcorp
Classification: Uncertain significance. Last evaluated: 2021-08-31. Review status: criteria provided, single submitter. Criteria: Invitae Variant Classification Sherloc (09022015). Collection method: clinical testing. Allele origin: germline.
Comment: In summary, the available evidence is currently insufficient to determine the role of this variant in disease. Therefore, it has been classified as a Variant of Uncertain Significance. Algorithms developed to predict the effect of missense changes on protein structure and function are either unavailable or do not agree on the potential impact of this missense change (SIFT: "Deleterious"; PolyPhen-2: "Possibly Damaging"; Align-GVGD: "Class C0"). This sequence change replaces proline with leucine at codon 84 of the ACVR1 protein (p.Pro84Leu). The proline residue is highly conserved and there is a moderate physicochemical difference between proline and leucine. This variant is present in population databases (rs775537696, ExAC 0.001%). This variant has not been reported in the literature in individuals affected with ACVR1-related conditions.

NM_001111067.4(ACVR1):c.251C>T (p.Pro84Leu)

Gene: ACVR1 (activin A receptor type 1; minus strand). Cytogenetic location: 2q24.1.
Variant type: single nucleotide variant.
Coding change: c.251C>T on transcript NM_001111067.4 (MANE Select); coding-DNA position 251, C replaced by T.
Protein change: p.Pro84Leu; replaces proline 84 with leucine.
Molecular consequence: missense variant.
Genome position (GRCh38, 1-based): chr2:157,780,417, G>A on the plus strand (C>T on the coding strand, the complement: ACVR1 is on the minus strand). VCF-style: chr2-157780417-G-A. GRCh37 (hg19) VCF-style: chr2-158636929-G-A.
Other names: c.251C>T, p.Pro84Leu (NM_001105.5, NM_001347663.1, NM_001347664.1 and 3 more transcripts); c.251C>T (NM_001105.4); short protein forms P84L.
Identifiers: ClinVar variation 1413590 (VCV001413590.7), dbSNP rs775537696, ClinGen allele CA1919204.
Genomic context (GRCh38, chr2:157,780,417, plus strand): 5'-GTGATGTTCCTGTTACACCAGTCCCCTTGGCAGCACTCCACGGCTTGGCCAGGGGACGGC[G>A]GGGTCTTACAGGTCATCTTTCCCTGCTCATAAACCTGGAAGCAGCCTTTCTGGTAGACGT-3'
Protein context (NP_001104537.1, residues 74-94): YEQGKMTCKT[Pro84Leu]PSPGQAVECC